The following is an entry in ClinVar:

NM_170682.4(P2RX2):c.983T>C (p.Ile328Thr)

Gene: P2RX2 (purinergic receptor P2X 2; plus strand). Cytogenetic location: 12q24.33.
Variant type: single nucleotide variant.
Coding change: c.983T>C on transcript NM_170682.4 (MANE Select); coding-DNA position 983, T replaced by C.
Protein change: p.Ile328Thr; replaces isoleucine 328 with threonine.
Molecular consequence: missense variant.
Genome position (GRCh38, 1-based): chr12:132,621,332, T>C. VCF-style: chr12-132621332-T-C. GRCh37 (hg19) VCF-style: chr12-133197918-T-C.
Other names: c.881T>C, p.Ile294Thr (NM_001282164.2); c.983T>C, p.Ile328Thr (NM_001282165.2, NM_170683.4, NM_174873.3); c.767T>C, p.Ile256Thr (NM_012226.5); c.911T>C, p.Ile304Thr (NM_016318.4); c.707T>C, p.Ile236Thr (NM_174872.3); c.983T>C (NM_170683.2); short protein forms I236T, I256T, I294T, I304T, I328T.
Identifiers: ClinVar variation 3364057 (VCV003364057.2).
Genomic context (GRCh38, chr12:132,621,332, plus strand): 5'-AGATCAATGGCACCACCACCCGCACGCTCATCAAGGCCTACGGGATCCGCATTGACGTCA[T>C]TGTGCATGGACAGGTGCCTGCACCTGCTGGGGGTGGGTGGCCAGCCCTGCTAGCCTGGGT-3'
Protein context (NP_733782.1, residues 318-338): IKAYGIRIDV[Ile328Thr]VHGQAGKFSL

ClinVar aggregate classification (germline): Uncertain significance. Review status: criteria provided, multiple submitters, no conflicts (2 of 4 stars). 2 submissions from 2 submitters: Uncertain significance (2). Last evaluated 2025-08-10.

Submissions (2):

Ambry Genetics
Classification: Uncertain significance. Last evaluated: 2025-08-10. Review status: criteria provided, single submitter. Criteria: Ambry Variant Classification Scheme 2023. Collection method: clinical testing. Allele origin: germline.

GeneDx
Classification: Uncertain significance. Last evaluated: 2023-11-13. Review status: criteria provided, single submitter. Criteria: GeneDx Variant Classification Process June 2021. Collection method: clinical testing. Allele origin: germline. Affected: yes.
Comment: In silico analysis supports that this missense variant has a deleterious effect on protein structure/function; Has not been previously published as pathogenic or benign to our knowledge